The following is an entry in ClinVar:

NM_182643.3(DLC1):c.1066G>C (p.Val356Leu)

Gene: DLC1 (DLC1 Rho GTPase activating protein; minus strand). Cytogenetic location: 8p22.
Variant type: single nucleotide variant.
Coding change: c.1066G>C on transcript NM_182643.3 (MANE Select); coding-DNA position 1066, G replaced by C.
Protein change: p.Val356Leu; replaces valine 356 with leucine.
Molecular consequence: missense variant. On other transcripts: 5 prime UTR variant (1).
Genome position (GRCh38, 1-based): chr8:13,401,577, C>G on the plus strand (G>C on the coding strand, the complement: DLC1 is on the minus strand). VCF-style: chr8-13401577-C-G. GRCh37 (hg19) VCF-style: chr8-13259086-C-G.
Other names: c.1066G>C, p.Val356Leu (NM_001348081.2, NM_001413124.1, NM_001413125.1 and 1 more transcripts); c.-386G>C (NM_001348082.2); short protein forms V356L.
Identifiers: ClinVar variation 4712378 (VCV004712378.1).
Genomic context (GRCh38, chr8:13,401,577, plus strand): 5'-TGGTGCTGAGGGCATTTTCTATGTCCTGATCAAGCTGGTCCAGTTTCATAATCAGCAGCA[C>G]CATGGAGTCCAGCCGCGCCCTATCTCGATCTTCTCTTATTTCCTGAGGAACAGAACATTT-3'
Protein context (NP_872584.2, residues 346-366): DRDRARLDSM[Val356Leu]LLIMKLDQLD

ClinVar aggregate classification (germline): Uncertain significance (1 of 4 stars; one submission).

gnomAD v4.1: 1 of 1,613,846 alleles (0.000062%); highest among the groups gnomAD compares: Non-Finnish European, 0.000085%; no homozygotes.

Submission:

Labcorp Genetics (formerly Invitae), Labcorp
Classification: Uncertain significance. Last evaluated: 2025-02-05. Review status: criteria provided, single submitter. Criteria: Invitae Variant Classification Sherloc (09022015). Collection method: clinical testing. Allele origin: germline.
Comment: This sequence change replaces valine, which is neutral and non-polar, with leucine, which is neutral and non-polar, at codon 356 of the DLC1 protein (p.Val356Leu). This variant is not present in population databases (gnomAD no frequency). This variant has not been reported in the literature in individuals affected with DLC1-related conditions. An algorithm developed to predict the effect of missense changes on protein structure and function outputs the following: PolyPhen-2: "Benign". The leucine amino acid residue is found in multiple mammalian species, which suggests that this missense change does not adversely affect protein function. In summary, the available evidence is currently insufficient to determine the role of this variant in disease. Therefore, it has been classified as a Variant of Uncertain Significance.